The following is an entry in ClinVar:

NM_032043.3(BRIP1):c.3425C>T (p.Thr1142Ile)

Gene: BRIP1 (BRCA1 interacting DNA helicase 1; minus strand). Cytogenetic location: 17q23.2.
Variant type: single nucleotide variant.
Coding change: c.3425C>T on transcript NM_032043.3 (MANE Select); coding-DNA position 3425, C replaced by T.
Protein change: p.Thr1142Ile; replaces threonine 1142 with isoleucine.
Molecular consequence: missense variant.
Genome position (GRCh38, 1-based): chr17:61,683,621, G>A on the plus strand (C>T on the coding strand, the complement: BRIP1 is on the minus strand). VCF-style: chr17-61683621-G-A. GRCh37 (hg19) VCF-style: chr17-59760982-G-A.
Other names: short protein forms T1142I.
Identifiers: ClinVar variation 5033426 (VCV005033426.1).

ClinVar aggregate classification (germline): Uncertain significance (1 of 4 stars; one submission).

Conditions:
Hereditary cancer-predisposing syndrome. Also called: Neoplastic Syndromes, Hereditary; Tumor predisposition; Hereditary neoplastic syndrome; Hereditary Cancer Syndrome. Identifiers: Orphanet 140162, MedGen C0027672, MeSH D009386, MONDO:0015356.

Submission:

Ambry Genetics
Classification: Uncertain significance for Hereditary cancer-predisposing syndrome. Last evaluated: 2026-07-14. Review status: criteria provided, single submitter. Criteria: Ambry Variant Classification Scheme 2023. Collection method: clinical testing. Allele origin: germline.
Comment: The p.T1142I variant (also known as c.3425C>T), located in coding exon 19 of the BRIP1 gene, results from a C to T substitution at nucleotide position 3425. The threonine at codon 1142 is replaced by isoleucine, an amino acid with similar properties. This amino acid position is conserved. In addition, this alteration is predicted to be tolerated by in silico analysis. Based on the available evidence, the clinical significance of this variant remains unclear.